The following is an entry in ClinVar:

ClinVar aggregate classification (germline): Benign/Likely benign. Review status: criteria provided, multiple submitters, no conflicts (2 of 4 stars). 4 submissions from 4 submitters: Benign (2); Likely benign (2). Last evaluated 2026-01-30.

Allele frequency attached by ClinVar (database versions not stated): 1000 Genomes Project 30x 0.00219; 1000 Genomes Project 0.00260; TOPMed 0.00505; gnomAD 0.00594 and 0.00610; ExAC 0.00635; gnomAD exomes 0.00647 and 0.00847; ESP Exome Variant Server 0.00654.
gnomAD v4.1: 13,121 of 1,614,018 alleles (0.81%); highest among the groups gnomAD compares: Non-Finnish European, 0.97%; 64 homozygotes.

Submissions (4):

Labcorp Genetics (formerly Invitae), Labcorp
Classification: Benign. Last evaluated: 2026-01-30. Review status: criteria provided, single submitter. Criteria: Invitae Variant Classification Sherloc (09022015). Collection method: clinical testing. Allele origin: germline.

CeGaT Center for Human Genetics Tuebingen
Classification: Likely benign. Last evaluated: 2026-01-01. Review status: criteria provided, single submitter. Criteria: CeGaT Center For Human Genetics Tuebingen Variant Classification Criteria Version 2. Collection method: clinical testing. Allele origin: germline. Affected: yes. Observed: 4 variant alleles.
Comment: TUB: BS2

Blueprint Genetics
Classification: Likely benign. Last evaluated: 2024-11-25. Review status: criteria provided, single submitter. Criteria: ACMG Guidelines, 2015. Collection method: clinical testing. Allele origin: germline.

Breakthrough Genomics
Classification: Benign. Review status: criteria provided, single submitter. Criteria: ACMG Guidelines, 2015. Collection method: not provided. Allele origin: germline. Inheritance: Autosomal recessive inheritance. Affected: yes.

NM_177972.3(TUB):c.1126G>A (p.Val376Ile)

Genes: RIC3 (RIC3 acetylcholine receptor chaperone; minus strand), TUB (TUB bipartite transcription factor; plus strand). Cytogenetic location: 11p15.4.
Variant type: single nucleotide variant.
Coding change: c.1126G>A on transcript NM_177972.3 (MANE Select); coding-DNA position 1126, G replaced by A.
Protein change: p.Val376Ile; replaces valine 376 with isoleucine.
Molecular consequence: missense variant.
Genome position (GRCh38, 1-based): chr11:8,100,512, G>A. VCF-style: chr11-8100512-G-A. GRCh37 (hg19) VCF-style: chr11-8122059-G-A.
Other names: c.1291G>A, p.Val431Ile (NM_003320.5); short protein forms V376I, V431I.
Identifiers: ClinVar variation 719359 (VCV000719359.36), dbSNP rs75594955, ClinGen allele CA5871375.